The following is an entry in ClinVar:

NM_003921.5(BCL10):c.568A>G (p.Thr190Ala)

Gene: BCL10 (BCL10 immune signaling adaptor; minus strand). Cytogenetic location: 1p22.3.
Variant type: single nucleotide variant.
Coding change: c.568A>G on transcript NM_003921.5 (MANE Select); coding-DNA position 568, A replaced by G.
Protein change: p.Thr190Ala; replaces threonine 190 with alanine.
Molecular consequence: missense variant.
Genome position (GRCh38, 1-based): chr1:85,267,761, T>C on the plus strand (A>G on the coding strand, the complement: BCL10 is on the minus strand). VCF-style: chr1-85267761-T-C. GRCh37 (hg19) VCF-style: chr1-85733444-T-C.
Other names: c.535A>G, p.Thr179Ala (NM_001320715.2); short protein forms T179A, T190A.
Identifiers: ClinVar variation 1373053 (VCV001373053.13), dbSNP rs556621354, ClinGen allele CA929726.
Genomic context (GRCh38, chr1:85,267,761, plus strand): 5'-CTAACTGTAGATCTGGTGGCAAAGGAGGAGCCCCTGGGTCCCCAGGTCTGGGAAGTGTAG[T>C]TGAAGAGAAGATGGTATTTTCAGTTCTGCCTACTTCTAGAACAGGCAAATTCAGAGAAGA-3'
Protein context (NP_003912.1, residues 180-200): GRTENTIFSS[Thr190Ala]TLPRPGDPGA

ClinVar aggregate classification (germline): Uncertain significance. Review status: criteria provided, multiple submitters, no conflicts (2 of 4 stars). 2 submissions from 2 submitters: Uncertain significance (2). Last evaluated 2025-04-01.

Conditions:
Immunodeficiency 37 (IMD37). Identifiers: MedGen C4015195, MONDO:0014491, OMIM 616098.

Allele frequency attached by ClinVar (database versions not stated): TOPMed below 0.00001; gnomAD 0.00004 and 0.00005; ExAC 0.00009; 1000 Genomes Project 30x 0.00031; 1000 Genomes Project 0.00040.

Submissions (2):

CeGaT Center for Human Genetics Tuebingen
Classification: Uncertain significance. Last evaluated: 2025-04-01. Review status: criteria provided, single submitter. Criteria: CeGaT Center For Human Genetics Tuebingen Variant Classification Criteria Version 2. Collection method: clinical testing. Allele origin: germline. Affected: yes. Observed: 1 variant allele.
Comment: BCL10: PM2:Supporting, BP4

Labcorp Genetics (formerly Invitae), Labcorp
Classification: Uncertain significance for Immunodeficiency 37. Last evaluated: 2022-07-06. Review status: criteria provided, single submitter. Criteria: Invitae Variant Classification Sherloc (09022015). Collection method: clinical testing. Allele origin: germline.
Comment: Algorithms developed to predict the effect of sequence changes on RNA splicing suggest that this variant may create or strengthen a splice site. Algorithms developed to predict the effect of missense changes on protein structure and function output the following: SIFT: "Tolerated"; PolyPhen-2: "Benign"; Align-GVGD: "Class C0". The alanine amino acid residue is found in multiple mammalian species, which suggests that this missense change does not adversely affect protein function. ClinVar contains an entry for this variant (Variation ID: 1373053). This variant has not been reported in the literature in individuals affected with BCL10-related conditions. This variant is present in population databases (rs556621354, gnomAD 0.05%). This sequence change replaces threonine, which is neutral and polar, with alanine, which is neutral and non-polar, at codon 190 of the BCL10 protein (p.Thr190Ala). In summary, the available evidence is currently insufficient to determine the role of this variant in disease. Therefore, it has been classified as a Variant of Uncertain Significance.